The following is an entry in ClinVar:

NM_007055.4(POLR3A):c.2988+42T>C

Gene: POLR3A (RNA polymerase III subunit A; minus strand). Cytogenetic location: 10q22.3.
Variant type: single nucleotide variant.
Coding change: c.2988+42T>C on transcript NM_007055.4 (MANE Select); 42 bases into the intron after coding-DNA position 2988, T replaced by C.
Molecular consequence: intron variant.
Genome position (GRCh38, 1-based): chr10:77,986,031, A>G on the plus strand (T>C on the coding strand, the complement: POLR3A is on the minus strand). VCF-style: chr10-77986031-A-G. GRCh37 (hg19) VCF-style: chr10-79745789-A-G.
Identifiers: ClinVar variation 1175376 (VCV001175376.5), dbSNP rs3815891, ClinGen allele CA5570955.

ClinVar aggregate classification (germline): Benign. Review status: criteria provided, multiple submitters, no conflicts (2 of 4 stars). 3 submissions from 3 submitters: Benign (3). Last evaluated 2024-01-24.

Allele frequency attached by ClinVar (database versions not stated): gnomAD exomes 0.04638 and 0.08354; ExAC 0.08566; ESP Exome Variant Server 0.12102; gnomAD 0.12141 and 0.12281; TOPMed 0.13628; 1000 Genomes Project 30x 0.20284; 1000 Genomes Project 0.20288.
gnomAD v4.1: 87,011 of 1,596,580 alleles (5.4%); highest among the groups gnomAD compares: African/African-American, 30%; 6,390 homozygotes.

Submissions (3):

Unidad de Genómica Garrahan, Hospital de Pediatría Garrahan
Classification: Benign. Last evaluated: 2024-01-24. Review status: criteria provided, single submitter. Criteria: ACMG Guidelines, 2015. Collection method: clinical testing. Allele origin: germline. Affected: no. Observed: 20 variant alleles.
Comment: This variant is classified as Benign based on local population frequency. This variant was detected in 21% of patients studied by a panel of primary immunodeficiencies. Number of patients: 20. Only high quality variants are reported.

GeneDx
Classification: Benign. Last evaluated: 2021-04-16. Review status: criteria provided, single submitter. Criteria: GeneDx Variant Classification Process June 2021. Collection method: clinical testing. Allele origin: germline. Affected: yes.

Breakthrough Genomics
Classification: Benign. Review status: criteria provided, single submitter. Criteria: ACMG Guidelines, 2015. Collection method: not provided. Allele origin: germline. Inheritance: Autosomal recessive inheritance. Affected: yes.